The following is an entry in ClinVar:

NM_004447.6(EPS8):c.1342A>G (p.Thr448Ala)

Gene: EPS8 (EGFR pathway substrate 8, signaling adaptor; minus strand). Cytogenetic location: 12p12.3.
Variant type: single nucleotide variant.
Coding change: c.1342A>G on transcript NM_004447.6 (MANE Select); coding-DNA position 1342, A replaced by G.
Protein change: p.Thr448Ala; replaces threonine 448 with alanine.
Molecular consequence: missense variant. On other transcripts: non-coding transcript variant (3).
Genome position (GRCh38, 1-based): chr12:15,650,915, T>C on the plus strand (A>G on the coding strand, the complement: EPS8 is on the minus strand). VCF-style: chr12-15650915-T-C. GRCh37 (hg19) VCF-style: chr12-15803849-T-C.
Other names: c.1342A>G, p.Thr448Ala (NM_001413831.1, NM_001413832.1, NM_001413833.1 and 2 more transcripts); c.1102A>G, p.Thr368Ala (NM_001413835.1, NM_001413836.1); c.925A>G, p.Thr309Ala (NM_001413837.1); c.562A>G, p.Thr188Ala (NM_001413838.1); short protein forms T188A, T309A, T368A, T448A.
Identifiers: ClinVar variation 4072510 (VCV004072510.1).

ClinVar aggregate classification (germline): Uncertain significance (1 of 4 stars; one submission).

Submission:

GeneDx
Classification: Uncertain significance. Last evaluated: 2025-01-30. Review status: criteria provided, single submitter. Criteria: GeneDx Variant Classification Process June 2021. Collection method: clinical testing. Allele origin: germline. Affected: yes.
Comment: Not observed at significant frequency in large population cohorts (gnomAD); In silico analysis indicates that this missense variant does not alter protein structure/function; Has not been previously published as pathogenic or benign to our knowledge